The following is an entry in ClinVar:

ClinVar aggregate classification (germline): Uncertain significance (1 of 4 stars; one submission).

Submission:

Labcorp Genetics (formerly Invitae), Labcorp
Classification: Uncertain significance. Last evaluated: 2024-06-15. Review status: criteria provided, single submitter. Criteria: Invitae Variant Classification Sherloc (09022015). Collection method: clinical testing. Allele origin: germline.
Comment: This sequence change replaces phenylalanine, which is neutral and non-polar, with serine, which is neutral and polar, at codon 52 of the CYFIP2 protein (p.Phe52Ser). This variant is not present in population databases (gnomAD no frequency). This variant has not been reported in the literature in individuals affected with CYFIP2-related conditions. Experimental studies and prediction algorithms are not available or were not evaluated, and the functional significance of this variant is currently unknown. In summary, the available evidence is currently insufficient to determine the role of this variant in disease. Therefore, it has been classified as a Variant of Uncertain Significance.

NM_001037333.3(CYFIP2):c.155T>C (p.Phe52Ser)

Gene: CYFIP2 (cytoplasmic FMR1 interacting protein 2; plus strand). Cytogenetic location: 5q33.3.
Variant type: single nucleotide variant.
Coding change: c.155T>C on transcript NM_001037333.3 (MANE Select); coding-DNA position 155, T replaced by C.
Protein change: p.Phe52Ser; replaces phenylalanine 52 with serine.
Molecular consequence: missense variant.
Genome position (GRCh38, 1-based): chr5:157,287,056, T>C. VCF-style: chr5-157287056-T-C. GRCh37 (hg19) VCF-style: chr5-156714065-T-C.
Other names: c.155T>C, p.Phe52Ser (NM_001291721.2, NM_001291722.2, NM_014376.4); short protein forms F52S.
Identifiers: ClinVar variation 3656704 (VCV003656704.2).
Genomic context (GRCh38, chr5:157,287,056, plus strand): 5'-GTTCCTGTCCTCTAATTCCACAGGCTAACTTTGACACAAACTTTGAGGACAGGAATGCAT[T>C]TGTCACGGGCATTGCAAGGTACATTGAGCAGGCTACAGTCCACTCCAGCATGGTAAGTCT-3'
Protein context (NP_001032410.1, residues 42-62): FDTNFEDRNA[Phe52Ser]VTGIARYIEQ